The following is an entry in ClinVar:

ClinVar aggregate classification (germline): Uncertain significance (1 of 4 stars; one submission).

Conditions:
Atrioventricular septal defect 4 (AVSD4). Identifiers: MedGen C3280781, MONDO:0013747, OMIM 614430.

Submission:

Labcorp Genetics (formerly Invitae), Labcorp
Classification: Uncertain significance for Atrioventricular septal defect 4. Last evaluated: 2025-07-21. Review status: criteria provided, single submitter. Criteria: Invitae Variant Classification Sherloc (09022015). Collection method: clinical testing. Allele origin: germline.
Comment: This sequence change replaces isoleucine, which is neutral and non-polar, with arginine, which is basic and polar, at codon 439 of the GATA4 protein (p.Ile439Arg). This variant is not present in population databases (gnomAD no frequency). This variant has not been reported in the literature in individuals affected with GATA4-related conditions. ClinVar contains an entry for this variant (Variation ID: 3674853). Invitae Evidence Modeling of protein sequence and biophysical properties (such as structural, functional, and spatial information, amino acid conservation, physicochemical variation, residue mobility, and thermodynamic stability) has been performed for this missense variant. However, the output from this modeling did not meet the statistical confidence thresholds required to predict the impact of this variant on GATA4 protein function. In summary, the available evidence is currently insufficient to determine the role of this variant in disease. Therefore, it has been classified as a Variant of Uncertain Significance.

NM_001308093.3(GATA4):c.1319T>G (p.Ile440Arg)

Gene: GATA4 (GATA binding protein 4). Cytogenetic location: 8p23.1.
Variant type: single nucleotide variant.
Coding change: c.1319T>G on transcript NM_001308093.3 (MANE Select); coding-DNA position 1319, T replaced by G.
Protein change: p.Ile440Arg; replaces isoleucine 440 with arginine.
Molecular consequence: missense variant.
Genome position (GRCh38, 1-based): chr8:11,758,462, T>G. VCF-style: chr8-11758462-T-G. GRCh37 (hg19) VCF-style: chr8-11615971-T-G.
Other names: c.698T>G, p.Ile233Arg (NM_001308094.2, NM_001374273.1); c.572T>G, p.Ile191Arg (NM_001374274.1); c.1316T>G, p.Ile439Arg (NM_002052.5); short protein forms I191R, I439R, I440R, I233R.
Identifiers: ClinVar variation 3674853 (VCV003674853.2).